The following is an entry in ClinVar:

NM_201384.3(PLEC):c.5346C>T (p.Ser1782=)

Gene: PLEC (plectin; minus strand). Cytogenetic location: 8q24.3.
Variant type: single nucleotide variant.
Coding change: c.5346C>T on transcript NM_201384.3 (MANE Select); coding-DNA position 5346, C replaced by T.
Protein change: p.Ser1782=; no amino-acid change (serine 1782 retained).
Molecular consequence: synonymous variant.
Genome position (GRCh38, 1-based): chr8:143,924,583, G>A on the plus strand (C>T on the coding strand, the complement: PLEC is on the minus strand). VCF-style: chr8-143924583-G-A. GRCh37 (hg19) VCF-style: chr8-144998751-G-A.
Other names: c.5427C>T, p.Ser1809= (NM_000445.5); c.5304C>T, p.Ser1768= (NM_201378.4); c.5280C>T, p.Ser1760= (NM_201379.3); c.5757C>T, p.Ser1919= (NM_201380.4); c.5250C>T, p.Ser1750= (NM_201381.3); c.5346C>T, p.Ser1782= (NM_201382.4); c.5358C>T, p.Ser1786= (NM_201383.3).
Identifiers: ClinVar variation 385754 (VCV000385754.13), dbSNP rs782138988, ClinGen allele CA4926385.

ClinVar aggregate classification (germline): Likely benign. Review status: criteria provided, multiple submitters, no conflicts (2 of 4 stars). 4 submissions from 4 submitters: Likely benign (4). Last evaluated 2026-01-26.

Conditions:
PLEC-related disorder. Also called: PLEC-related disorders; PLEC-related condition.
Autosomal recessive limb-girdle muscular dystrophy type 2Q (LGMDR17). Also called: MUSCULAR DYSTROPHY, LIMB-GIRDLE, AUTOSOMAL RECESSIVE 17. Identifiers: Orphanet 254361, MedGen C3150989, MONDO:0013390, OMIM 613723.
Epidermolysis bullosa simplex 5B, with muscular dystrophy (EBS5B). Also called: EPIDERMOLYSIS BULLOSA SIMPLEX AND LIMB-GIRDLE MUSCULAR DYSTROPHY; Epidermolysis bullosa simplex with muscular dystrophy. Identifiers: Orphanet 257, MedGen C2931072, MONDO:0009181, OMIM 226670.
Epidermolysis bullosa simplex with nail dystrophy (EBS5D). Identifiers: MedGen C4225309, MONDO:0014661, OMIM 616487.
Epidermolysis bullosa simplex, Ogna type (EBS5A). Also called: Pidermolysis bullosa simplex 5A, Ogna type; EPIDERMOLYSIS BULLOSA SIMPLEX 5A, OGNA TYPE. Identifiers: Orphanet 79401, MedGen C0432317, MONDO:0007555, OMIM 131950.
Epidermolysis bullosa simplex 5C, with pyloric atresia (EBS5C). Also called: PLEC1-Related Epidermolysis Bullosa with Pyloric Atresia; PLEC-Related Epidermolysis Bullosa with Pyloric Atresia; Epidermolysis bullosa simplex with pyloric atresia. Identifiers: Orphanet 158684, MedGen C2677349, MONDO:0012807, OMIM 612138.

Allele frequency attached by ClinVar (database versions not stated): gnomAD exomes 0.00018 and 0.00026; gnomAD 0.00028 and 0.00031; TOPMed 0.00038; ExAC 0.00043.
gnomAD v4.1: 406 of 1,550,998 alleles (0.026%); highest among the groups gnomAD compares: Non-Finnish European, 0.03%; no homozygotes.

Submissions (4):

Labcorp Genetics (formerly Invitae), Labcorp
Classification: Likely benign for Autosomal recessive limb-girdle muscular dystrophy type 2Q; Epidermolysis bullosa simplex, Ogna type; Epidermolysis bullosa simplex with nail dystrophy; Epidermolysis bullosa simplex 5C, with pyloric atresia; Epidermolysis bullosa simplex 5B, with muscular dystrophy. Last evaluated: 2026-01-26. Review status: criteria provided, single submitter. Criteria: Invitae Variant Classification Sherloc (09022015). Collection method: clinical testing. Allele origin: germline.

PreventionGenetics, part of Exact Sciences
Classification: Likely benign for PLEC-related condition. Last evaluated: 2025-07-18. Review status: criteria provided, single submitter. Criteria: ACMG Guidelines, 2015. Collection method: clinical testing. Allele origin: germline.
Comment: This variant is classified as likely benign based on ACMG/AMP sequence variant interpretation guidelines (Richards et al. 2015 PMID: 25741868, with internal and published modifications).

Blueprint Genetics
Classification: Likely benign. Last evaluated: 2024-03-05. Review status: criteria provided, single submitter. Criteria: ACMG Guidelines, 2015. Collection method: clinical testing. Allele origin: germline.

GeneDx
Classification: Likely benign. Last evaluated: 2016-05-17. Review status: criteria provided, single submitter. Criteria: GeneDx Variant Classification (06012015). Collection method: clinical testing. Allele origin: germline. Affected: yes.
Comment: This variant is considered likely benign or benign based on one or more of the following criteria: it is a conservative change, it occurs at a poorly conserved position in the protein, it is predicted to be benign by multiple in silico algorithms, and/or has population frequency not consistent with disease.